The following is an entry in ClinVar:

NM_007294.4(BRCA1):c.5109T>G (p.Tyr1703Ter)

Gene: BRCA1 (BRCA1 DNA repair associated; minus strand). Cytogenetic location: 17q21.31.
Variant type: single nucleotide variant.
Coding change: c.5109T>G on transcript NM_007294.4 (MANE Select); coding-DNA position 5109, T replaced by G.
Protein change: p.Tyr1703Ter; replaces tyrosine 1703 with a stop codon.
Molecular consequence: nonsense. On other transcripts: non-coding transcript variant (1).
Genome position (GRCh38, 1-based): chr17:43,063,917, A>C on the plus strand (T>G on the coding strand, the complement: BRCA1 is on the minus strand). VCF-style: chr17-43063917-A-C. GRCh37 (hg19) VCF-style: chr17-41215934-A-C.
Other names: p.Y1703*:TAT>TAG; 5228T>G; c.4896T>G, p.Tyr1632Ter (NM_001407571.1, NM_001407895.1, NM_001407896.1 and 12 more transcripts); c.5175T>G, p.Tyr1725Ter (NM_001407581.1, NM_001407582.1); c.5172T>G, p.Tyr1724Ter (NM_001407583.1, NM_001407585.1, NM_001407587.1 and 1 more transcripts); c.5169T>G, p.Tyr1723Ter (NM_001407590.1, NM_001407591.1); c.5109T>G, p.Tyr1703Ter (NM_001407593.1, NM_001407594.1, NM_001407596.1 and 7 more transcripts); c.5106T>G, p.Tyr1702Ter (NM_001407610.1, NM_001407611.1, NM_001407622.1 and 17 more transcripts); and 73 more; short protein forms Y1703*, Y599*, Y1656*, Y1724*, Y1576*, Y1613*, Y1614*, Y1615*.
Identifiers: ClinVar variation 55403 (VCV000055403.51), dbSNP rs80356974, ClinGen allele CA003244.

ClinVar aggregate classification (germline): Pathogenic. Review status: reviewed by expert panel (3 of 4 stars). 19 submissions from 19 submitters: Pathogenic (1). 18 of the submissions do not count toward it. Last evaluated 2016-09-08.

Conditions:
Hereditary cancer-predisposing syndrome. Also called: Hereditary Cancer Syndrome; Tumor predisposition; Neoplastic Syndromes, Hereditary; Hereditary neoplastic syndrome. Identifiers: Orphanet 140162, MedGen C0027672, MeSH D009386, MONDO:0015356.
Hereditary breast ovarian cancer syndrome. Also called: Breast and ovarian cancer; BRCA1- and BRCA2-Associated Hereditary Breast and Ovarian Cancer; Hereditary breast and ovarian cancer; Hereditary breast and ovarian cancer syndrome (HBOC); Hereditary breast and ovarian cancer syndrome; Hereditary breast and/or ovarian cancer syndrome. Identifiers: Orphanet 145, MedGen C0677776, MeSH D061325, MONDO:0003582. Disease mechanism: loss of function.
Breast-ovarian cancer, familial, susceptibility to, 1 (BROVCA1). Also called: BRCA1 Hereditary Breast and Ovarian Cancer; OVARIAN CANCER, SUSCEPTIBILITY TO. Identifiers: Orphanet 145, MedGen C2676676, MONDO:0011450, OMIM 604370. Disease mechanism: loss of function.

Submissions 1 to 11 of 20:

Evidence-based Network for the Interpretation of Germline Mutant Alleles (ENIGMA)
Classification: Pathogenic for Breast-ovarian cancer, familial, susceptibility to, 1. Last evaluated: 2016-09-08. Review status: reviewed by expert panel. Criteria: ENIGMA BRCA1/2 Classification Criteria (2015). Collection method: curation. Allele origin: germline.
Comment: Variant allele predicted to encode a truncated non-functional protein.

Labcorp Genetics (formerly Invitae), Labcorp
Classification: Pathogenic for Hereditary breast ovarian cancer syndrome. Last evaluated: 2026-01-07. Review status: criteria provided, single submitter. Criteria: Invitae Variant Classification Sherloc (09022015). Collection method: clinical testing. Allele origin: germline. Not counted in ClinVar's aggregate classification.
Comment: This sequence change creates a premature translational stop signal (p.Tyr1703*) in the BRCA1 gene. It is expected to result in an absent or disrupted protein product. Loss-of-function variants in BRCA1 are known to be pathogenic (PMID: 20104584). This variant is not present in population databases (gnomAD no frequency). This premature translational stop signal has been observed in individual(s) with breast and/or ovarian cancer (PMID: 11748305, 12491499, 19941162). This variant is also known as 5228T>G. ClinVar contains an entry for this variant (Variation ID: 55403). Algorithms developed to predict the effect of sequence changes on RNA splicing suggest that this variant may disrupt the consensus splice site. For these reasons, this variant has been classified as Pathogenic.

Variantyx, Inc.
Classification: Pathogenic for Breast-ovarian cancer, familial, susceptibility to, 1. Last evaluated: 2025-12-20. Review status: criteria provided, single submitter. Criteria: Variantyx Assertion Criteria 2022. Collection method: clinical testing. Allele origin: germline. Inheritance: Autosomal dominant inheritance. Not counted in ClinVar's aggregate classification.
Comment: This is a nonsense variant in the BRCA1 gene (OMIM: 113705). Pathogenic variants in this gene have been associated with autosomal dominant susceptibility to familial breast-ovarian cancer 1. This variant has been reported in the heterozygous state in affected individuals (PMID: 11748305, 12491499, 19941162), and it introduces a premature termination codon in exon 17 out of 23, which is expected to result in loss of function, which is a known disease mechanism for BRCA1 i (PMID: 11157798) (PVS1). This is a protein termination codon (PTC) variant in an exon where a different proven pathogenic PTC variant has been previously reported in similarly affected individuals (ENIGMA ClinGen Variant Curation Expert Panel (VCEP)) (PM5_Strong), aqnd it is absent from control populations (PM2). Based on the current evidence, this variant is classified as pathogenic for autosomal dominant susceptibility to familial breast-ovarian cancer 1.

CeGaT Center for Human Genetics Tuebingen
Classification: Pathogenic. Last evaluated: 2025-10-01. Review status: criteria provided, single submitter. Criteria: CeGaT Center For Human Genetics Tuebingen Variant Classification Criteria Version 2. Collection method: clinical testing. Allele origin: germline. Affected: yes. Observed: 1 variant allele. Not counted in ClinVar's aggregate classification.
Comment: BRCA1: PVS1, PS4, PM2

Mayo Clinic Laboratories, Mayo Clinic
Classification: Pathogenic. Last evaluated: 2025-09-16. Review status: criteria provided, single submitter. Criteria: ACMG Guidelines, 2015. Collection method: clinical testing. Allele origin: germline. Observed: 1 variant allele. Not counted in ClinVar's aggregate classification.
Comment: PM2_supporting, PM5_strong, PVS1

Ambry Genetics
Classification: Pathogenic for Hereditary cancer-predisposing syndrome. Last evaluated: 2024-12-05. Review status: criteria provided, single submitter. Criteria: Ambry Variant Classification Scheme 2023. Collection method: clinical testing. Allele origin: germline. Not counted in ClinVar's aggregate classification.
Comment: The p.Y1703* pathogenic mutation (also known as c.5109T>G), located in coding exon 16 of the BRCA1 gene, results from a T to G substitution at nucleotide position 5109. This changes the amino acid from a tyrosine to a stop codon within coding exon 16. This mutation has been reported in patients with breast cancer (Adem C et al. Cancer. 2003 Jan;97:1-11; Tutt A et al. Lancet. 2010 Jul;376:235-44). This alteration is expected to result in loss of function by premature protein truncation or nonsense-mediated mRNA decay. As such, this alteration is interpreted as a disease-causing mutation.

Quest Diagnostics Nichols Institute San Juan Capistrano
Classification: Pathogenic. Last evaluated: 2024-08-06. Review status: criteria provided, single submitter. Criteria: Quest Diagnostics criteria. Collection method: clinical testing. Allele origin: unknown. Not counted in ClinVar's aggregate classification.
Comment: The BRCA1 c.5109T>G (p.Tyr1703*) variant causes the premature termination of BRCA1 protein synthesis. This variant has been reported in the published literature in individuals with a personal and family history of breast and/or ovarian cancer (PMIDs: 29446198 (2018), 26022348 (2015), 12491499 (2003)), and prostate cancer (PMID: 36926989 (2023)). This variant has not been reported in large, multi-ethnic general populations (Genome Aggregation Database). Based on the available information, this variant is classified as pathogenic.

GeneDx
Classification: Pathogenic. Last evaluated: 2024-07-31. Review status: criteria provided, single submitter. Criteria: GeneDx Variant Classification Process June 2021. Collection method: clinical testing. Allele origin: germline. Affected: yes. Not counted in ClinVar's aggregate classification.
Comment: Nonsense variant predicted to result in protein truncation or nonsense mediated decay in a gene for which loss of function is a known mechanism of disease; Observed in individuals with a personal or family history consistent with pathogenic variants in this gene (PMID: 11748305, 12491499, 19941162); Published functional studies demonstrate a damaging effect: variant classified as non-functional based on a saturation genome editing (SGE) assay measuring cell survival (PMID: 30209399); Truncating variants in this gene are considered pathogenic by a well-established clinical consortium and/or database; Not observed at significant frequency in large population cohorts (gnomAD); Also known as 5228T>G; This variant is associated with the following publications: (PMID: 11748305, 36623239, 32191290, 25525159, 19941162, 20609467, 12491499, 16267036, 12048272, 31892343, 34308104, 26022348, 26295337, 20104584, 29446198, 28888541, 31447099, 31853058, 30209399)

Baylor Genetics
Classification: Pathogenic for Breast-ovarian cancer, familial, susceptibility to, 1. Last evaluated: 2023-12-15. Review status: criteria provided, single submitter. Criteria: ACMG Guidelines, 2015. Collection method: clinical testing. Allele origin: unknown. Not counted in ClinVar's aggregate classification.

Color Diagnostics, LLC DBA Color Health
Classification: Pathogenic for Hereditary cancer-predisposing syndrome. Last evaluated: 2022-12-05. Review status: criteria provided, single submitter. Criteria: ACMG Guidelines, 2015. Collection method: clinical testing. Allele origin: germline. Not counted in ClinVar's aggregate classification.
Comment: This variant changes 1 nucleotide in exon 17 of the BRCA1 gene, creating a premature translation stop signal. This variant is expected to result in an absent or non-functional protein product. This variant has been reported in individuals affected with hereditary breast and ovarian cancer (PMID: 11748305, 12491499, 19941162). This variant has not been identified in the general population by the Genome Aggregation Database (gnomAD). Loss of BRCA1 function is a known mechanism of disease. Based on the available evidence, this variant is classified as Pathogenic.

Revvity Omics, Revvity
Classification: Pathogenic. Last evaluated: 2021-11-25. Review status: criteria provided, single submitter. Criteria: ACMG Guidelines, 2015. Collection method: clinical testing. Allele origin: germline. Not counted in ClinVar's aggregate classification.